The following is an entry in ClinVar:

ClinVar aggregate classification (germline): Uncertain significance. Review status: criteria provided, multiple submitters, no conflicts (2 of 4 stars). 2 submissions from 2 submitters: Uncertain significance (2). Last evaluated 2024-09-27.

Allele frequency attached by ClinVar (database versions not stated): gnomAD exomes 0.00001; gnomAD 0.00003; ExAC 0.00001.
gnomAD v4.1: 26 of 1,613,420 alleles (0.0016%); highest among the groups gnomAD compares: Admixed American, 0.0067%; no homozygotes.

Submissions (2):

Ambry Genetics
Classification: Uncertain significance. Last evaluated: 2024-09-27. Review status: criteria provided, single submitter. Criteria: Ambry Variant Classification Scheme 2023. Collection method: clinical testing. Allele origin: germline.

Labcorp Genetics (formerly Invitae), Labcorp
Classification: Uncertain significance. Last evaluated: 2023-03-31. Review status: criteria provided, single submitter. Criteria: Invitae Variant Classification Sherloc (09022015). Collection method: clinical testing. Allele origin: germline.
Comment: This sequence change replaces proline, which is neutral and non-polar, with leucine, which is neutral and non-polar, at codon 2196 of the CELSR2 protein (p.Pro2196Leu). This variant is present in population databases (rs754023376, gnomAD 0.02%). This variant has not been reported in the literature in individuals affected with CELSR2-related conditions. Advanced modeling of protein sequence and biophysical properties (such as structural, functional, and spatial information, amino acid conservation, physicochemical variation, residue mobility, and thermodynamic stability) performed at Invitae indicates that this missense variant is not expected to disrupt CELSR2 protein function. In summary, the available evidence is currently insufficient to determine the role of this variant in disease. Therefore, it has been classified as a Variant of Uncertain Significance.

NM_001408.3(CELSR2):c.6587C>T (p.Pro2196Leu)

Gene: CELSR2 (cadherin EGF LAG seven-pass G-type receptor 2; plus strand). Cytogenetic location: 1p13.3.
Variant type: single nucleotide variant.
Coding change: c.6587C>T on transcript NM_001408.3 (MANE Select); coding-DNA position 6587, C replaced by T.
Protein change: p.Pro2196Leu; replaces proline 2196 with leucine.
Molecular consequence: missense variant.
Genome position (GRCh38, 1-based): chr1:109,268,964, C>T. VCF-style: chr1-109268964-C-T. GRCh37 (hg19) VCF-style: chr1-109811586-C-T.
Other names: c.6587C>T (NM_001408.2); short protein forms P2196L.
Identifiers: ClinVar variation 2889434 (VCV002889434.4), dbSNP rs754023376, ClinGen allele CA987932.